The following is an entry in ClinVar:

NM_000135.4(FANCA):c.1168C>T (p.Leu390Phe)

Gene: FANCA (FA complementation group A; minus strand). Cytogenetic location: 16q24.3.
Variant type: single nucleotide variant.
Coding change: c.1168C>T on transcript NM_000135.4 (MANE Select); coding-DNA position 1168, C replaced by T.
Protein change: p.Leu390Phe; replaces leucine 390 with phenylalanine.
Molecular consequence: missense variant.
Genome position (GRCh38, 1-based): chr16:89,791,984, G>A on the plus strand (C>T on the coding strand, the complement: FANCA is on the minus strand). VCF-style: chr16-89791984-G-A. GRCh37 (hg19) VCF-style: chr16-89858392-G-A.
Other names: c.1168C>T, p.Leu390Phe (NM_001286167.3); short protein forms L390F.
Identifiers: ClinVar variation 4619258 (VCV004619258.1).

ClinVar aggregate classification (germline): Uncertain significance (1 of 4 stars; one submission).

Conditions:
Inborn genetic diseases. Identifiers: MedGen C0950123, MeSH D030342.

gnomAD v4.1: 2 of 1,614,188 alleles (0.00012%); highest among the groups gnomAD compares: Non-Finnish European, 0.00017%; no homozygotes.

Submission:

Ambry Genetics
Classification: Uncertain significance for Inborn genetic diseases. Last evaluated: 2025-11-09. Review status: criteria provided, single submitter. Criteria: Ambry Variant Classification Scheme 2023. Collection method: clinical testing. Allele origin: germline.
Comment: The p.L390F variant (also known as c.1168C>T), located in coding exon 13 of the FANCA gene, results from a C to T substitution at nucleotide position 1168. The leucine at codon 390 is replaced by phenylalanine, an amino acid with highly similar properties. This amino acid position is conserved. In addition, the in silico prediction for this alteration is inconclusive. Based on the available evidence, the clinical significance of this variant remains unclear.